The following is an entry in ClinVar:

ClinVar aggregate classification (germline): Conflicting classifications of pathogenicity. Review status: criteria provided, conflicting classifications (1 of 4 stars). 8 submissions from 8 submitters: Pathogenic (1); Uncertain significance (5). 2 of the submissions do not count toward it. Last evaluated 2025-04-10.

Conditions:
Macular dystrophy. Identifiers: MedGen C0730292, HP:0007754.
RDH12-related disorder. Also called: RDH12-related disorders; RDH12-related condition.
Leber congenital amaurosis (LCA). Also called: Leber's amaurosis. Identifiers: Orphanet 65, MedGen C0339527, MeSH D057130, MONDO:0018998.
Leber congenital amaurosis 13 (LCA13). Identifiers: MedGen C2675186, MONDO:0012990, OMIM 612712.

Allele frequency attached by ClinVar (database versions not stated): gnomAD below 0.00001 and 0.00002.
gnomAD v4.1: 137 of 1,611,080 alleles (0.0085%); highest among the groups gnomAD compares: South Asian, 0.15%; 1 homozygote.

Submissions (8):

PreventionGenetics, part of Exact Sciences
Classification: Uncertain significance for RDH12-related condition. Last evaluated: 2025-04-10. Review status: criteria provided, single submitter. Criteria: ACMG Guidelines, 2015. Collection method: clinical testing. Allele origin: germline.
Comment: The RDH12 c.185G>T variant is predicted to result in the amino acid substitution p.Arg62Leu. This variant has been reported along with a second RDH12 variant in at least two individuals with retinal degeneration (Table S1, Fahim et al. 2019. PubMed ID: 30979730; Scott et al. 2020. PubMed ID: 32014858). In both cases the second variant was c.619A>G (p.Asn207Asp). This c.185G>T (p.Arg62Leu) variant is reported in 0.14% of alleles in individuals of South Asian descent in gnomAD, which is more common than expected for a primary cause of disease. At this time, the clinical significance of this variant is uncertain due to the absence of conclusive functional and genetic evidence.

Baylor Genetics
Classification: Uncertain significance for Leber congenital amaurosis 13. Last evaluated: 2024-11-30. Review status: criteria provided, single submitter. Criteria: ACMG Guidelines, 2015. Collection method: clinical testing. Allele origin: unknown.
Comment: This variant has been reported in conjunction with another variant in individual(s) with scotomas (PMID: 30979730, 32014858), but it has also been reported in a homozygous state in unaffected individual(s) in gnomAD v4.1.0.

Labcorp Genetics (formerly Invitae), Labcorp
Classification: Uncertain significance for Leber congenital amaurosis 13. Last evaluated: 2024-11-18. Review status: criteria provided, single submitter. Criteria: Invitae Variant Classification Sherloc (09022015). Collection method: clinical testing. Allele origin: germline.
Comment: This sequence change replaces arginine, which is basic and polar, with leucine, which is neutral and non-polar, at codon 62 of the RDH12 protein (p.Arg62Leu). This variant is present in population databases (rs778481181, gnomAD 0.1%). This missense change has been observed in individual(s) with RDH12-related conditions (PMID: 30979730, 32014858). ClinVar contains an entry for this variant (Variation ID: 805923). An algorithm developed to predict the effect of missense changes on protein structure and function (PolyPhen-2) suggests that this variant is likely to be disruptive. In summary, the available evidence is currently insufficient to determine the role of this variant in disease. Therefore, it has been classified as a Variant of Uncertain Significance.

Women's Health and Genetics/Laboratory Corporation of America, LabCorp
Classification: Uncertain significance. Last evaluated: 2024-08-08. Review status: criteria provided, single submitter. Criteria: LabCorp Variant Classification Summary - May 2015. Collection method: clinical testing. Allele origin: germline.
Comment: Variant summary: RDH12 c.185G>T (p.Arg62Leu) results in a non-conservative amino acid change in the encoded protein sequence. Five of five in-silico tools predict a damaging effect of the variant on protein function. The variant allele was found at a frequency of 0.00017 in 251402 control chromosomes. This frequency is not significantly higher than estimated for a pathogenic variant in RDH12 causing Leber Congenital Amaurosis (0.00017 vs 0.0016), allowing no conclusion about variant significance. c.185G>T has been reported in the literature as a biallelic compound heterozygous genotype in at-least three individuals affected with features of RDH12-associated early-onset severe retinal dystrophy (EOSRD)/retinal degeneration/macular dystrophy in an unselected cohort of individuals with hereditary retinal disorders (example, Fahim_2019, Scott_2020, Ganapathi_2022 and a non-primary citation in De Zaeytijd_2021 and Wang_2022). To our knowledge no affected heterozygous individuals supporting a dominant inheritance pattern have been reported. These data indicate that the variant may be associated with disease. To our knowledge, no experimental evidence demonstrating an impact on protein function has been reported. The following publications have been ascertained in the context of this evaluation (PMID: 34001834, 30979730, 35672425, 32014858, 35994252). ClinVar contains an entry for this variant (Variation ID: 805923). Based on the evidence outlined above, the variant was classified as VUS-possibly pathogenic.

Blueprint Genetics
Classification: Pathogenic for RDH12-related disorders. Last evaluated: 2022-11-02. Review status: criteria provided, single submitter. Criteria: ACMG Guidelines, 2015. Collection method: clinical testing. Allele origin: germline. Affected: yes. Observed: 5 variant alleles.

Fulgent Genetics
Classification: Uncertain significance for Leber congenital amaurosis 13. Last evaluated: 2021-10-30. Review status: criteria provided, single submitter. Criteria: ACMG Guidelines, 2015. Collection method: clinical testing. Allele origin: unknown.

Natera, Inc.
Classification: Uncertain significance for Leber congenital amaurosis. Last evaluated: 2020-02-15. Review status: no assertion criteria provided. Collection method: clinical testing. Allele origin: germline. Not counted in ClinVar's aggregate classification.

Ocular Genomics Institute, Massachusetts Eye and Ear
Classification: Likely pathogenic for Macular dystrophy. Last evaluated: 2019-08-01. Review status: no assertion criteria provided. Collection method: clinical testing. Allele origin: germline. Affected: yes. Observed: 1 variant allele. Not counted in ClinVar's aggregate classification.

Literature cited by the submitters: PubMed 30979730 (cited by Labcorp Genetics (formerly Invitae), Labcorp and Women's Health and Genetics/Laboratory Corporation of America, LabCorp); PubMed 32014858 (cited by Labcorp Genetics (formerly Invitae), Labcorp and Women's Health and Genetics/Laboratory Corporation of America, LabCorp); PubMed 35672425 (cited by Women's Health and Genetics/Laboratory Corporation of America, LabCorp); PubMed 34001834 (cited by Women's Health and Genetics/Laboratory Corporation of America, LabCorp); PubMed 35994252 (cited by Women's Health and Genetics/Laboratory Corporation of America, LabCorp).

NM_152443.3(RDH12):c.185G>T (p.Arg62Leu)

Genes: GPHN (gephyrin; plus strand), RDH12 (retinol dehydrogenase 12; plus strand). Cytogenetic location: 14q24.1.
Variant type: single nucleotide variant.
Coding change: c.185G>T on transcript NM_152443.3 (MANE Select); coding-DNA position 185, G replaced by T.
Protein change: p.Arg62Leu; replaces arginine 62 with leucine.
Molecular consequence: missense variant.
Genome position (GRCh38, 1-based): chr14:67,724,589, G>T. VCF-style: chr14-67724589-G-T. GRCh37 (hg19) VCF-style: chr14-68191306-G-T.
Other names: short protein forms R62L.
Identifiers: ClinVar variation 805923 (VCV000805923.15), dbSNP rs778481181, ClinGen allele CA7238624.